The following is an entry in ClinVar:

ClinVar aggregate classification (germline): Conflicting classifications of pathogenicity. Review status: criteria provided, conflicting classifications (1 of 4 stars). 5 submissions from 5 submitters: Uncertain significance (3); Likely benign (1). 1 of the submissions does not count toward it. Last evaluated 2023-03-23.

Conditions:
Hereditary cancer-predisposing syndrome. Also called: Hereditary Cancer Syndrome; Neoplastic Syndromes, Hereditary; Hereditary neoplastic syndrome; Tumor predisposition. Identifiers: Orphanet 140162, MedGen C0027672, MeSH D009386, MONDO:0015356.
Hereditary breast ovarian cancer syndrome. Also called: Breast and ovarian cancer; Hereditary breast and/or ovarian cancer syndrome; Hereditary breast and ovarian cancer; Hereditary breast and ovarian cancer syndrome; Hereditary breast and ovarian cancer syndrome (HBOC); BRCA1- and BRCA2-Associated Hereditary Breast and Ovarian Cancer. Identifiers: Orphanet 145, MedGen C0677776, MeSH D061325, MONDO:0003582. Disease mechanism: loss of function.
Breast-ovarian cancer, familial, susceptibility to, 2 (BROVCA2). Also called: BRCA2 Hereditary Breast and Ovarian Cancer. Identifiers: Orphanet 145, MedGen C2675520, MONDO:0012933, OMIM 612555. Disease mechanism: loss of function.

Submissions (5):

University of Washington Department of Laboratory Medicine, University of Washington
Classification: Likely benign for Hereditary cancer-predisposing syndrome. Last evaluated: 2023-03-23. Review status: criteria provided, single submitter. Criteria: Dines et al. (Genet Med. 2020). Collection method: curation. Allele origin: germline.
Comment: Missense variant in a coldspot region where missense variants are very unlikely to be pathogenic (PMID:31911673).

BRCA2 exon 11 coldspot. Reclassification based on statistical prior probability.

Women's Health and Genetics/Laboratory Corporation of America, LabCorp
Classification: Uncertain significance. Last evaluated: 2023-03-10. Review status: criteria provided, single submitter. Criteria: LabCorp Variant Classification Summary - May 2015. Collection method: clinical testing. Allele origin: germline.

Ambry Genetics
Classification: Uncertain significance for Hereditary cancer-predisposing syndrome. Last evaluated: 2022-09-13. Review status: criteria provided, single submitter. Criteria: Ambry Variant Classification Scheme 2023. Collection method: clinical testing. Allele origin: germline.
Comment: The p.A2227T variant (also known as c.6679G>A), located in coding exon 10 of the BRCA2 gene, results from a G to A substitution at nucleotide position 6679. The alanine at codon 2227 is replaced by threonine, an amino acid with similar properties. This amino acid position is well conserved in available vertebrate species. In addition, the in silico prediction for this alteration is inconclusive. Since supporting evidence is limited at this time, the clinical significance of this alteration remains unclear.

Labcorp Genetics (formerly Invitae), Labcorp
Classification: Uncertain significance for Hereditary breast ovarian cancer syndrome. Last evaluated: 2017-06-28. Review status: criteria provided, single submitter. Criteria: Invitae Variant Classification Sherloc (09022015). Collection method: clinical testing. Allele origin: germline.
Comment: This sequence change replaces alanine with threonine at codon 2227 of the BRCA2 protein (p.Ala2227Thr). The alanine residue is highly conserved and there is a small physicochemical difference between alanine and threonine. This variant is not present in population databases (ExAC no frequency). In summary, the available evidence is currently insufficient to determine the role of this variant in disease. Therefore, it has been classified as a Variant of Uncertain Significance. Algorithms developed to predict the effect of missense changes on protein structure and function output the following: SIFT: "Tolerated"; PolyPhen-2: "Benign"; Align-GVGD: "Class C0". The threonine amino acid residue is found in multiple mammalian species, suggesting that this missense change does not adversely affect protein function. These predictions have not been confirmed by published functional studies and their clinical significance is uncertain. This variant has not been reported in the literature in individuals with BRCA2-related disease. ClinVar contains an entry for this variant (Variation ID: 96841).

Sharing Clinical Reports Project (SCRP)
Classification: Uncertain significance for Breast-ovarian cancer, familial 2. Last evaluated: 2010-08-03. Review status: no assertion criteria provided. Collection method: clinical testing. Allele origin: germline. Not counted in ClinVar's aggregate classification.

NM_000059.4(BRCA2):c.6679G>A (p.Ala2227Thr)

Gene: BRCA2 (BRCA2 DNA repair associated; plus strand). Cytogenetic location: 13q13.1.
Variant type: single nucleotide variant.
Coding change: c.6679G>A on transcript NM_000059.4 (MANE Select); coding-DNA position 6679, G replaced by A.
Protein change: p.Ala2227Thr; replaces alanine 2227 with threonine.
Molecular consequence: missense variant.
Genome position (GRCh38, 1-based): chr13:32,341,034, G>A. VCF-style: chr13-32341034-G-A. GRCh37 (hg19) VCF-style: chr13-32915171-G-A.
Other names: 6907G>A; short protein forms A2227T.
Identifiers: ClinVar variation 96841 (VCV000096841.16), dbSNP rs431825345, ClinGen allele CA024283.